The following is an entry in ClinVar:

ClinVar aggregate classification (germline): Uncertain significance. Review status: criteria provided, multiple submitters, no conflicts (2 of 4 stars). 3 submissions from 3 submitters: Uncertain significance (3). Last evaluated 2025-10-01.

Conditions:
Inborn genetic diseases. Identifiers: MedGen C0950123, MeSH D030342.

gnomAD v4.1: 21 of 1,614,234 alleles (0.0013%); highest among the groups gnomAD compares: South Asian, 0.011%; no homozygotes.

Submissions (3):

CeGaT Center for Human Genetics Tuebingen
Classification: Uncertain significance. Last evaluated: 2025-10-01. Review status: criteria provided, single submitter. Criteria: CeGaT Center For Human Genetics Tuebingen Variant Classification Criteria Version 2. Collection method: clinical testing. Allele origin: germline. Affected: yes. Observed: 1 variant allele.
Comment: CUL7: PM2

Ambry Genetics
Classification: Uncertain significance for Inborn genetic diseases. Last evaluated: 2025-07-14. Review status: criteria provided, single submitter. Criteria: Ambry Variant Classification Scheme 2023. Collection method: clinical testing. Allele origin: germline.

Labcorp Genetics (formerly Invitae), Labcorp
Classification: Uncertain significance. Last evaluated: 2022-11-01. Review status: criteria provided, single submitter. Criteria: Invitae Variant Classification Sherloc (09022015). Collection method: clinical testing. Allele origin: germline.
Comment: Advanced modeling of protein sequence and biophysical properties (such as structural, functional, and spatial information, amino acid conservation, physicochemical variation, residue mobility, and thermodynamic stability) performed at Invitae indicates that this missense variant is not expected to disrupt CUL7 protein function. In summary, the available evidence is currently insufficient to determine the role of this variant in disease. Therefore, it has been classified as a Variant of Uncertain Significance. This variant has not been reported in the literature in individuals affected with CUL7-related conditions. This variant is present in population databases (rs769466972, gnomAD 0.01%). This sequence change replaces threonine, which is neutral and polar, with lysine, which is basic and polar, at codon 972 of the CUL7 protein (p.Thr972Lys).

NM_014780.5(CUL7):c.2915C>A (p.Thr972Lys)

Gene: CUL7 (cullin 7; minus strand). Cytogenetic location: 6p21.1.
Variant type: single nucleotide variant.
Coding change: c.2915C>A on transcript NM_014780.5 (MANE Select); coding-DNA position 2915, C replaced by A.
Protein change: p.Thr972Lys; replaces threonine 972 with lysine.
Molecular consequence: missense variant.
Genome position (GRCh38, 1-based): chr6:43,045,350, G>T on the plus strand (C>A on the coding strand, the complement: CUL7 is on the minus strand). VCF-style: chr6-43045350-G-T. GRCh37 (hg19) VCF-style: chr6-43013088-G-T.
Other names: c.2915C>A (NM_014780.4); c.3011C>A, p.Thr1004Lys (NM_001168370.2, NM_001374872.1); c.2915C>A, p.Thr972Lys (NM_001374873.1, NM_001374874.1); short protein forms T1004K, T972K.
Identifiers: ClinVar variation 2068688 (VCV002068688.9), dbSNP rs769466972, ClinGen allele CA3813646.